The following is an entry in ClinVar:

NM_000117.3(EMD):c.359C>A (p.Ser120Ter)

Gene: EMD (emerin; plus strand). Cytogenetic location: Xq28.
Variant type: single nucleotide variant.
Coding change: c.359C>A on transcript NM_000117.3 (MANE Select); coding-DNA position 359, C replaced by A.
Protein change: p.Ser120Ter; replaces serine 120 with a stop codon.
Molecular consequence: nonsense.
Genome position (GRCh38, 1-based): chrX:154,380,327, C>A. VCF-style: chrX-154380327-C-A. GRCh37 (hg19) VCF-style: chrX-153608687-C-A.
Other names: short protein forms S120*.
Identifiers: ClinVar variation 3896858 (VCV003896858.1).
Genomic context (GRCh38, chrX:154,380,327, plus strand): 5'-TCACCACCAGGACTTATGGGGAGCCCGAGTCTGCCGGCCCGTCCAGGGCTGTCCGCCAGT[C>A]AGTGACTTCATTCCCAGATGCTGACGCTTTCCATCACCAGGTGAGCTGGCTGGCAGGCGT-3'

ClinVar aggregate classification (germline): Likely pathogenic (1 of 4 stars; one submission).

Conditions:
Emery-Dreifuss muscular dystrophy 1, X-linked (EDMD1). Also called: Muscular dystrophy, tardive, Dreifuss-Emery type, with contractures; SCAPULOPERONEAL SYNDROME, X-LINKED; HUMEROPERONEAL NEUROMUSCULAR DISEASE; EMD-Related Emery-Dreifuss Muscular Dystrophy, X-Linked. Identifiers: MedGen CN375556, MONDO:0100531, OMIM 310300.

Submission:

Kariminejad - Najmabadi Pathology & Genetics Center
Classification: Likely pathogenic for Emery-Dreifuss muscular dystrophy 1, X-linked. Last evaluated: 2022-07-23. Review status: criteria provided, single submitter. Criteria: ACMG Guidelines, 2015. Collection method: clinical testing. Allele origin: germline. Inheritance: X-linked inheritance. Affected: yes.
Comment: PVS1-PM2